The following is an entry in ClinVar:

NM_058216.3(RAD51C):c.307_320del (p.Phe103fs)

Gene: RAD51C (RAD51 paralog C; plus strand). Cytogenetic location: 17q22.
Variant type: Deletion.
Coding change: c.307_320del on transcript NM_058216.3 (MANE Select); coding-DNA positions 307 to 320, 14 bases deleted (TTCTGTTCAGCACT).
Protein change: p.Phe103fs; shifts the reading frame from phenylalanine 103.
Molecular consequence: frameshift variant. On other transcripts: non-coding transcript variant (2).
Genome position (GRCh38, 1-based): chr17:58,695,092-58,695,105, TTCTGTTCAGCACT deleted. VCF-style (leftmost placement, unchanged base first): chr17-58695091-CTTCTGTTCAGCACT-C. GRCh37 (hg19) VCF-style: chr17-56772452-CTTCTGTTCAGCACT-C.
Other names: c.307_320del, p.Phe103fs (NM_002876.4); c.307_320delTTCTGTTCAGCACT, p.Phe103Argfs (NM_058217.1); short protein forms F103fs.
Identifiers: ClinVar variation 3148552 (VCV003148552.1), dbSNP rs2509275252, ClinGen allele CA2825002547.
Genomic context (GRCh38, chr17:58,695,091, plus strand): 5'-CAAGAAGTGTACAGCACTGGAACTTCTTGAGCAGGAGCATACCCAGGGCTTCATAATCAC[CTTCTGTTCAGCACT>C]AGATGATATTCTTGGGGGTGGAGTGCCCTTAATGAAAACAACAGAAATTTGTGGTGCACC-3'

ClinVar aggregate classification (germline): Pathogenic (1 of 4 stars; one submission).

Conditions:
Breast-ovarian cancer, familial, susceptibility to, 3. Also called: RAD51C-Related Breast/Ovarian Cancer. Identifiers: Orphanet 145, MedGen C3150659, MONDO:0013253, OMIM 613399.

Submission:

Myriad Genetics, Inc.
Classification: Pathogenic for Breast-ovarian cancer, familial, susceptibility to, 3. Last evaluated: 2024-01-02. Review status: criteria provided, single submitter. Criteria: Myriad Autosomal Dominant, Autosomal Recessive and X-Linked Classification Criteria (2023). Collection method: clinical testing. Allele origin: unknown.
Comment: This variant is considered pathogenic. This variant creates a frameshift predicted to result in premature protein truncation.